The following is an entry in ClinVar:

ClinVar aggregate classification (germline): Uncertain significance. Review status: criteria provided, multiple submitters, no conflicts (2 of 4 stars). 2 submissions from 2 submitters: Uncertain significance (2). Last evaluated 2025-10-05.

Conditions:
Cardiovascular phenotype. Identifiers: MedGen CN230736.
Catecholaminergic polymorphic ventricular tachycardia 1. Also called: VENTRICULAR TACHYCARDIA, CATECHOLAMINERGIC POLYMORPHIC, 1, WITH OR WITHOUT ATRIAL DYSFUNCTION AND/OR DILATED CARDIOMYOPATHY; RYR2-Related Catecholaminergic Polymorphic Ventricular Tachycardia; VENTRICULAR TACHYCARDIA, STRESS-INDUCED POLYMORPHIC 1. Identifiers: Orphanet 3286, MedGen C1631597, MONDO:0011484, OMIM 604772.

Allele frequency attached by ClinVar (database versions not stated): ExAC 0.00002.

Submissions (2):

Ambry Genetics
Classification: Uncertain significance for Cardiovascular phenotype. Last evaluated: 2025-10-05. Review status: criteria provided, single submitter. Criteria: Ambry Variant Classification Scheme 2023. Collection method: clinical testing. Allele origin: germline.
Comment: The p.E588K variant (also known as c.1762G>A), located in coding exon 32 of the TRDN gene, results from a G to A substitution at nucleotide position 1762. The glutamic acid at codon 588 is replaced by lysine, an amino acid with similar properties. This amino acid position is conserved. In addition, this alteration is predicted to be tolerated by in silico analysis. Since supporting evidence is limited at this time, the clinical significance of this alteration remains unclear.

Labcorp Genetics (formerly Invitae), Labcorp
Classification: Uncertain significance for Catecholaminergic polymorphic ventricular tachycardia 1. Last evaluated: 2024-01-11. Review status: criteria provided, single submitter. Criteria: Invitae Variant Classification Sherloc (09022015). Collection method: clinical testing. Allele origin: germline.
Comment: This sequence change replaces glutamic acid, which is acidic and polar, with lysine, which is basic and polar, at codon 588 of the TRDN protein (p.Glu588Lys). The frequency data for this variant in the population databases is considered unreliable, as metrics indicate poor data quality at this position in the gnomAD database. This variant has not been reported in the literature in individuals affected with TRDN-related conditions. ClinVar contains an entry for this variant (Variation ID: 2562972). Advanced modeling of protein sequence and biophysical properties (such as structural, functional, and spatial information, amino acid conservation, physicochemical variation, residue mobility, and thermodynamic stability) performed at Invitae indicates that this missense variant is not expected to disrupt TRDN protein function with a negative predictive value of 80%. In summary, the available evidence is currently insufficient to determine the role of this variant in disease. Therefore, it has been classified as a Variant of Uncertain Significance.

NM_006073.4(TRDN):c.1762G>A (p.Glu588Lys)

Gene: TRDN (triadin; minus strand). Cytogenetic location: 6q22.31.
Variant type: single nucleotide variant.
Coding change: c.1762G>A on transcript NM_006073.4 (MANE Select); coding-DNA position 1762, G replaced by A.
Protein change: p.Glu588Lys; replaces glutamic acid 588 with lysine.
Molecular consequence: missense variant.
Genome position (GRCh38, 1-based): chr6:123,267,728, C>T on the plus strand (G>A on the coding strand, the complement: TRDN is on the minus strand). VCF-style: chr6-123267728-C-T. GRCh37 (hg19) VCF-style: chr6-123588873-C-T.
Other names: short protein forms E588K.
Identifiers: ClinVar variation 2562972 (VCV002562972.6), dbSNP rs761148422, ClinGen allele CA3983768.